The following is an entry in ClinVar:

ClinVar aggregate classification (germline): Uncertain significance (1 of 4 stars; one submission).

Conditions:
Acute myeloid leukemia (AML). Also called: Acute myeloid leukemia, adult; AML adult; Acute non-lymphocytic leukemia; Acute granulocytic leukemia; Leukemia, acute myelogenous, somatic; Leukemia, acute myeloid, somatic. Identifiers: Orphanet 519, MedGen C0023467, MeSH D015470, MONDO:0018874, OMIM 601626, HP:0004808. Disease mechanism: Constitutively activated FLT3.

Submission:

Labcorp Genetics (formerly Invitae), Labcorp
Classification: Uncertain significance for Acute myeloid leukemia. Last evaluated: 2019-11-04. Review status: criteria provided, single submitter. Criteria: Invitae Variant Classification Sherloc (09022015). Collection method: clinical testing. Allele origin: germline.
Comment: This variant has not been reported in the literature in individuals with CEBPA-related conditions. This sequence change replaces proline with histidine at codon 121 of the CEBPA protein (p.Pro121His). The proline residue is weakly conserved and there is a moderate physicochemical difference between proline and histidine. The frequency data for this variant in the population databases is considered unreliable, as metrics indicate insufficient coverage at this position in the ExAC database. Algorithms developed to predict the effect of missense changes on protein structure and function output the following: SIFT: "Tolerated"; PolyPhen-2: "Benign"; Align-GVGD: "Class C0". The histidine amino acid residue is found in multiple mammalian species, suggesting that this missense change does not adversely affect protein function. These predictions have not been confirmed by published functional studies and their clinical significance is uncertain. In summary, the available evidence is currently insufficient to determine the role of this variant in disease. Therefore, it has been classified as a Variant of Uncertain Significance.

NM_004364.5(CEBPA):c.362C>A (p.Pro121His)

Gene: CEBPA (CCAAT enhancer binding protein alpha; minus strand). Cytogenetic location: 19q13.11.
Variant type: single nucleotide variant.
Coding change: c.362C>A on transcript NM_004364.5 (MANE Select); coding-DNA position 362, C replaced by A.
Protein change: p.Pro121His; replaces proline 121 with histidine.
Molecular consequence: missense variant.
Genome position (GRCh38, 1-based): chr19:33,302,053, G>T on the plus strand (C>A on the coding strand, the complement: CEBPA is on the minus strand). VCF-style: chr19-33302053-G-T. GRCh37 (hg19) VCF-style: chr19-33792959-G-T.
Other names: c.5C>A, p.Pro2His (NM_001285829.2); c.467C>A, p.Pro156His (NM_001287424.2); c.320C>A, p.Pro107His (NM_001287435.2); short protein forms P107H, P2H, P121H, P156H.
Identifiers: ClinVar variation 963894 (VCV000963894.10), dbSNP rs1967187752, ClinGen allele CA405275109.
Genomic context (GRCh38, chr19:33,302,053, plus strand): 5'-CCGTCCAGGTAGCCGGCGGCCGCGCAGCCGTAGCCGGGCGGGGGCCCGTGCGCTCCCCCG[G>T]GCATGACGGCGCCGCCGGGGCCCGCGGGCGCGCCCGGGTAGTCAAAGTCGCCGCCGCCGC-3'
Protein context (NP_004355.2, residues 111-131): APAGPGGAVM[Pro121His]GGAHGPPPGY